The following is an entry in ClinVar:

ClinVar aggregate classification (germline): Uncertain significance (1 of 4 stars; one submission).

Conditions:
Werner syndrome (WRN). Identifiers: Orphanet 902, MedGen C0043119, MONDO:0010196, OMIM 277700.

Allele frequency attached by ClinVar (database versions not stated): ExAC 0.00001; gnomAD exomes 0.00001 and 0.00002; gnomAD 0.00002; TOPMed 0.00002.
gnomAD v4.1: 15 of 1,613,072 alleles (0.00093%); highest among the groups gnomAD compares: East Asian, 0.0067%; no homozygotes.

Submission:

Labcorp Genetics (formerly Invitae), Labcorp
Classification: Uncertain significance for Werner syndrome. Last evaluated: 2024-07-26. Review status: criteria provided, single submitter. Criteria: Invitae Variant Classification Sherloc (09022015). Collection method: clinical testing. Allele origin: germline.
Comment: This sequence change falls in intron 6 of the WRN gene. It does not directly change the encoded amino acid sequence of the WRN protein. It affects a nucleotide within the consensus splice site. This variant is present in population databases (rs776917867, gnomAD 0.01%). This variant has not been reported in the literature in individuals affected with WRN-related conditions. ClinVar contains an entry for this variant (Variation ID: 653801). Variants that disrupt the consensus splice site are a relatively common cause of aberrant splicing (PMID: 17576681, 9536098). Studies have shown that this variant is associated with altered splicing resulting in multiple RNA products (Invitae). In summary, the available evidence is currently insufficient to determine the role of this variant in disease. Therefore, it has been classified as a Variant of Uncertain Significance.

Literature cited by the submitters: PubMed 17576681; PubMed 9536098.

NM_000553.6(WRN):c.654+5G>A

Gene: WRN (WRN RecQ like helicase; plus strand). Cytogenetic location: 8p12.
Variant type: single nucleotide variant.
Coding change: c.654+5G>A on transcript NM_000553.6 (MANE Select); 5 bases into the intron after coding-DNA position 654, G replaced by A.
Molecular consequence: intron variant.
Genome position (GRCh38, 1-based): chr8:31,067,187, G>A. VCF-style: chr8-31067187-G-A. GRCh37 (hg19) VCF-style: chr8-30924703-G-A.
Identifiers: ClinVar variation 653801 (VCV000653801.6), dbSNP rs776917867, ClinGen allele CA4704121.